The following is an entry in ClinVar:

NM_000416.3(IFNGR1):c.111_116delinsAATGTTA (p.Glu38fs)

Gene: IFNGR1 (interferon gamma receptor 1; minus strand). Cytogenetic location: 6q23.3.
Variant type: Indel.
Coding change: c.111_116delinsAATGTTA on transcript NM_000416.3 (MANE Select); coding-DNA positions 111 to 116, TGAATC replaced by AATGTTA.
Protein change: p.Glu38fs; shifts the reading frame from glutamic acid 38.
Molecular consequence: frameshift variant. On other transcripts: 5 prime UTR variant (1).
Genome position (GRCh38, 1-based): chr6:137,207,047-137,207,052, GATTCA replaced by TAACATT on the plus strand (TGAATC replaced by AATGTTA on the coding strand, the reverse complement: IFNGR1 is on the minus strand). VCF-style: chr6-137207047-GATTCA-TAACATT. GRCh37 (hg19) VCF-style: chr6-137528184-GATTCA-TAACATT.
Other names: c.111_116delTGAATCinsAATGTTA, p.Glu38Metfs (NM_000416.2); c.81_86delinsAATGTTA, p.Glu28fs (NM_001363526.1); c.-13_-8delinsAATGTTA (NM_001363527.1); short protein forms E28fs, E38fs.
Identifiers: ClinVar variation 2507311 (VCV002507311.2), dbSNP rs2548236652, ClinGen allele CA2580615786.

ClinVar aggregate classification (germline): Uncertain significance (1 of 4 stars; one submission).

Submission:

GeneDx
Classification: Uncertain significance. Last evaluated: 2025-08-11. Review status: criteria provided, single submitter. Criteria: GeneDx Variant Classification Process June 2021. Collection method: clinical testing. Allele origin: germline. Affected: yes.
Comment: Frameshift variant predicted to result in protein truncation or nonsense mediated decay in a gene or region of a gene for which loss of function is not a well-established mechanism of disease; Not observed at significant frequency in large population cohorts (gnomAD); Has not been previously published as pathogenic or benign to our knowledge